The following is an entry in ClinVar:

ClinVar aggregate classification (germline): Uncertain significance (1 of 4 stars; one submission).

Conditions:
PLXNA1-related disorder. Also called: PLXNA1-related condition.

gnomAD v4.1: 1 of 1,612,586 alleles (0.000062%); highest among the groups gnomAD compares: Non-Finnish European, 0.000085%; no homozygotes.

Submission:

PreventionGenetics, part of Exact Sciences
Classification: Uncertain significance for PLXNA1-related condition. Last evaluated: 2025-12-16. Review status: criteria provided, single submitter. Criteria: ACMG Guidelines, 2015. Collection method: clinical testing. Allele origin: germline.
Comment: The PLXNA1 c.2689C>T variant is predicted to result in the amino acid substitution p.Arg897Cys. To our knowledge, this variant has not been reported in the literature. This variant is reported in 1 out of ~249,500 alleles in gnomAD. At this time, the clinical significance of this variant is uncertain due to the absence of conclusive functional and genetic evidence.

NM_032242.4(PLXNA1):c.2689C>T (p.Arg897Cys)

Gene: PLXNA1 (plexin A1; plus strand). Cytogenetic location: 3q21.3.
Variant type: single nucleotide variant.
Coding change: c.2689C>T on transcript NM_032242.4 (MANE Select); coding-DNA position 2689, C replaced by T.
Protein change: p.Arg897Cys; replaces arginine 897 with cysteine.
Molecular consequence: missense variant.
Genome position (GRCh38, 1-based): chr3:127,014,562, C>T. VCF-style: chr3-127014562-C-T. GRCh37 (hg19) VCF-style: chr3-126733405-C-T.
Other names: short protein forms R897C.
Identifiers: ClinVar variation 4998418 (VCV004998418.1).